The following is an entry in ClinVar:

NM_020832.3(ZNF687):c.3373A>G (p.Met1125Val)

Gene: ZNF687 (zinc finger protein 687; plus strand). Cytogenetic location: 1q21.3.
Variant type: single nucleotide variant.
Coding change: c.3373A>G on transcript NM_020832.3 (MANE Select); coding-DNA position 3373, A replaced by G.
Protein change: p.Met1125Val; replaces methionine 1125 with valine.
Molecular consequence: missense variant.
Genome position (GRCh38, 1-based): chr1:151,290,868, A>G. VCF-style: chr1-151290868-A-G. GRCh37 (hg19) VCF-style: chr1-151263344-A-G.
Other names: c.3373A>G, p.Met1125Val (NM_001304763.2, NM_001304764.2); short protein forms M1125V.
Identifiers: ClinVar variation 3661481 (VCV003661481.2).

ClinVar aggregate classification (germline): Uncertain significance (1 of 4 stars; one submission).

Submission:

Labcorp Genetics (formerly Invitae), Labcorp
Classification: Uncertain significance. Last evaluated: 2025-01-29. Review status: criteria provided, single submitter. Criteria: Invitae Variant Classification Sherloc (09022015). Collection method: clinical testing. Allele origin: germline.
Comment: This sequence change replaces methionine, which is neutral and non-polar, with valine, which is neutral and non-polar, at codon 1125 of the ZNF687 protein (p.Met1125Val). This variant is not present in population databases (gnomAD no frequency). This variant has not been reported in the literature in individuals affected with ZNF687-related conditions. An algorithm developed to predict the effect of missense changes on protein structure and function outputs the following: PolyPhen-2: "Benign". The valine amino acid residue is found in multiple mammalian species, which suggests that this missense change does not adversely affect protein function. In summary, the available evidence is currently insufficient to determine the role of this variant in disease. Therefore, it has been classified as a Variant of Uncertain Significance.